The following is an entry in ClinVar:

ClinVar aggregate classification (germline): Uncertain significance (1 of 4 stars; one submission).

Conditions:
Brugada syndrome. Also called: Sudden unexpected nocturnal death syndrome; Sudden unexplained nocturnal death syndrome; Sudden Unexplained Death Syndrome; Sudden Unexplained Nocturnal Death Syndrome (SUNDS). Identifiers: Orphanet 130, MedGen C1142166, MONDO:0015263.

gnomAD v4.1: 15 of 1,530,354 alleles (0.00098%); highest among the groups gnomAD compares: Non-Finnish European, 0.0013%; no homozygotes.

Submission:

Labcorp Genetics (formerly Invitae), Labcorp
Classification: Uncertain significance for Brugada syndrome. Last evaluated: 2024-11-11. Review status: criteria provided, single submitter. Criteria: Invitae Variant Classification Sherloc (09022015). Collection method: clinical testing. Allele origin: germline.
Comment: This sequence change replaces proline, which is neutral and non-polar, with serine, which is neutral and polar, at codon 592 of the CACNA2D1 protein (p.Pro592Ser). This variant is present in population databases (no rsID available, gnomAD 0.0009%). This variant has not been reported in the literature in individuals affected with CACNA2D1-related conditions. ClinVar contains an entry for this variant (Variation ID: 2982089). An algorithm developed to predict the effect of missense changes on protein structure and function (PolyPhen-2) suggests that this variant is likely to be disruptive. In summary, the available evidence is currently insufficient to determine the role of this variant in disease. Therefore, it has been classified as a Variant of Uncertain Significance.

NM_000722.4(CACNA2D1):c.1774C>T (p.Pro592Ser)

Gene: CACNA2D1 (calcium voltage-gated channel auxiliary subunit alpha2delta 1; minus strand). Cytogenetic location: 7q21.11.
Variant type: single nucleotide variant.
Coding change: c.1774C>T on transcript NM_000722.4 (MANE Select); coding-DNA position 1774, C replaced by T.
Protein change: p.Pro592Ser; replaces proline 592 with serine.
Molecular consequence: missense variant.
Genome position (GRCh38, 1-based): chr7:81,991,207, G>A on the plus strand (C>T on the coding strand, the complement: CACNA2D1 is on the minus strand). VCF-style: chr7-81991207-G-A. GRCh37 (hg19) VCF-style: chr7-81620523-G-A.
Other names: c.1831C>T, p.Pro611Ser (NM_001366867.1); short protein forms P592S, P611S.
Identifiers: ClinVar variation 2982089 (VCV002982089.3), dbSNP rs1201336704, ClinGen allele CA367876563.